The following is an entry in ClinVar:

ClinVar aggregate classification (germline): Pathogenic. Review status: criteria provided, multiple submitters, no conflicts (2 of 4 stars). 4 submissions from 4 submitters: Pathogenic (3). 1 of the submissions does not count toward it. Last evaluated 2025-08-05.

Conditions:
Cardiovascular phenotype. Identifiers: MedGen CN230736.
Hereditary hemorrhagic telangiectasia (HHT). Also called: ORW DISEASE; Osler Weber Rendu syndrome; OSLER-RENDU-WEBER DISEASE; Osler hemorrhagic telangiectasia syndrome. Identifiers: Orphanet 774, MedGen C0039445, MONDO:0019180. Disease mechanism: loss of function.
Telangiectasia, hereditary hemorrhagic, type 1 (HHT1). Also called: Osler Weber Rendu syndrome type 1; ENG-Related Hereditary Hemorrhagic Telangiectasia. Identifiers: Orphanet 774, MedGen C4551861, MONDO:0008535, OMIM 187300. Disease mechanism: loss of function.

Submissions (4):

Labcorp Genetics (formerly Invitae), Labcorp
Classification: Pathogenic for Hereditary hemorrhagic telangiectasia. Last evaluated: 2025-08-05. Review status: criteria provided, single submitter. Criteria: Invitae Variant Classification Sherloc (09022015). Collection method: clinical testing. Allele origin: germline.
Comment: This sequence change creates a premature translational stop signal (p.Pro131Argfs*32) in the ENG gene. It is expected to result in an absent or disrupted protein product. Loss-of-function variants in ENG are known to be pathogenic (PMID: 15879500). This variant is not present in population databases (gnomAD no frequency). This premature translational stop signal has been observed in individuals with epistaxis, telangiectasias and gastrointestinal bleeding (PMID: 16542389). ClinVar contains an entry for this variant (Variation ID: 458347). For these reasons, this variant has been classified as Pathogenic.

Ambry Genetics
Classification: Pathogenic for Cardiovascular phenotype. Last evaluated: 2024-07-26. Review status: criteria provided, single submitter. Criteria: Ambry Variant Classification Scheme 2023. Collection method: clinical testing. Allele origin: germline.
Comment: The c.392delC pathogenic mutation, located in coding exon 4 of the ENG gene, results from a deletion of one nucleotide at nucleotide position 392, causing a translational frameshift with a predicted alternate stop codon (p.P131Rfs*32). This variant was reported in individuals with features consistent with hereditary hemorrhagic telangiectasia (Wehner LE et al. Clin Genet, 2006 Mar;69:239-45; Karlsson T et al. Ups J Med Sci, 2018 Sep;123:153-157; Ambry internal data). This variant is considered to be rare based on population cohorts in the Genome Aggregation Database (gnomAD). This alteration is expected to result in loss of function by premature protein truncation or nonsense-mediated mRNA decay. As such, this alteration is interpreted as a disease-causing mutation.

New York Genome Center
Classification: Pathogenic for Telangiectasia, hereditary hemorrhagic, type 1. Last evaluated: 2019-09-13. Review status: criteria provided, single submitter. Criteria: NYGC Assertion Criteria 2020. Collection method: clinical testing. Allele origin: inherited. Affected: yes. Observed: 1 heterozygote. Study: CSER-NYCKidSeq.
Comment: The c.392del (p.Pro131ArgfsTer32) variant identified in the ENG gene is the deletion of a single nucleotide resulting in the frameshift of the protein at amino acid 131/659 (coding exon 4/15), which is predicted to lead to the premature termination of the protein approximately 32 amino acids downstream of the variant. This variant is absent from gnomAD and ExAC, suggesting it is not a common benign variant in the populations represented in these databases. This variant is classified as Pathogenic in ClinVar (VarID:458347), and has been identified in two individuals in the literature with hereditary haemorrhagic telangiectasia [PMID: 16542389; PMID: 30251589]. The c.392del (p.Pro131ArgfsTer32) variant is reported here as Pathogenic.

Genomics And Bioinformatics Analysis Resource, Columbia University
Classification: Pathogenic for Telangiectasia, hereditary hemorrhagic, type 1. Review status: no assertion criteria provided. Collection method: research. Allele origin: unknown. Affected: yes. Not counted in ClinVar's aggregate classification.

Literature cited by the submitters: PubMed 15879500 (cited by Labcorp Genetics (formerly Invitae), Labcorp); PubMed 16542389 (cited by 3 submitters); PubMed 30251589 (cited by Ambry Genetics and New York Genome Center).

NM_001114753.3(ENG):c.392del (p.Pro131fs)

Gene: ENG (endoglin; minus strand). Cytogenetic location: 9q34.11.
Variant type: Deletion.
Coding change: c.392del on transcript NM_001114753.3 (MANE Select); coding-DNA position 392, one base deleted (C; older notation c.392delC).
Protein change: p.Pro131fs; shifts the reading frame from proline 131.
Molecular consequence: frameshift variant. On other transcripts: 5 prime UTR variant (1).
Genome position (GRCh38, 1-based): chr9:127,826,641, G deleted on the plus strand (C on the coding strand, the reverse complement: ENG is on the minus strand); the first of 5 consecutive G bases (chr9:127,826,641-127,826,645); deleting any one gives the same sequence. VCF-style (leftmost placement, unchanged base first): chr9-127826640-CG-C. GRCh37 (hg19) VCF-style: chr9-130588919-CG-C.
Other names: c.388delC, p.Pro131Argfs (NM_000118.4, NM_001114753.2, NM_001406715.1); c.-155del (NM_001278138.2); c.392delC (NM_000118.3, NM_001114753.1); short protein forms P131fs.
Identifiers: ClinVar variation 458347 (VCV000458347.15), dbSNP rs1554810510, ClinGen allele CA658656043.